The following is an entry in ClinVar:

ClinVar aggregate classification (germline): Uncertain significance. Review status: criteria provided, multiple submitters, no conflicts (2 of 4 stars). 3 submissions from 3 submitters: Uncertain significance (3). Last evaluated 2023-11-30.

Conditions:
Wilson disease (WND). Also called: Wilson's disease. Identifiers: Orphanet 905, MedGen C0019202, MONDO:0010200, OMIM 277900. Disease mechanism: loss of function.

Allele frequency attached by ClinVar (database versions not stated): gnomAD exomes below 0.00001; TOPMed below 0.00001; gnomAD 0.00001.
gnomAD v4.1: 5 of 1,613,852 alleles (0.00031%); highest among the groups gnomAD compares: East Asian, 0.0022%; no homozygotes.

Submissions (3):

All of Us Research Program, National Institutes of Health
Classification: Uncertain significance for Wilson disease. Last evaluated: 2023-11-30. Review status: criteria provided, single submitter. Criteria: ACMG Guidelines, 2015. Collection method: clinical testing. Allele origin: germline. Inheritance: Autosomal recessive inheritance. Observed: 3 variant alleles, 3 heterozygotes.
Comment: This study involves interpretation of variants in research participants for the purpose of population health screening. Participant phenotype was not available at the time of variant classification. Additional details can be found in publication PMID: 35346344, PMCID: PMC8962531

Color Diagnostics, LLC DBA Color Health
Classification: Uncertain significance for Wilson disease. Last evaluated: 2022-11-07. Review status: criteria provided, single submitter. Criteria: ACMG Guidelines, 2015. Collection method: clinical testing. Allele origin: germline.
Comment: This missense variant replaces histidine with arginine at codon 338 of the ATP7B protein. Computational prediction suggests that this variant may not impact protein structure and function (internally defined REVEL score threshold <= 0.5, PMID: 27666373). To our knowledge, functional studies have not been reported for this variant. This variant has not been reported in individuals affected with ATP7B-related disorders in the literature. This variant has not been identified in the general population by the Genome Aggregation Database (gnomAD). The available evidence is insufficient to determine the role of this variant in disease conclusively. Therefore, this variant is classified as a Variant of Uncertain Significance.

Labcorp Genetics (formerly Invitae), Labcorp
Classification: Uncertain significance for Wilson disease. Last evaluated: 2022-06-15. Review status: criteria provided, single submitter. Criteria: Invitae Variant Classification Sherloc (09022015). Collection method: clinical testing. Allele origin: germline.
Comment: This sequence change replaces histidine, which is basic and polar, with arginine, which is basic and polar, at codon 338 of the ATP7B protein (p.His338Arg). This variant is not present in population databases (gnomAD no frequency). This variant has not been reported in the literature in individuals affected with ATP7B-related conditions. Advanced modeling of protein sequence and biophysical properties (such as structural, functional, and spatial information, amino acid conservation, physicochemical variation, residue mobility, and thermodynamic stability) performed at Invitae indicates that this missense variant is not expected to disrupt ATP7B protein function. In summary, the available evidence is currently insufficient to determine the role of this variant in disease. Therefore, it has been classified as a Variant of Uncertain Significance.

NM_000053.4(ATP7B):c.1013A>G (p.His338Arg)

Gene: ATP7B (ATPase copper transporting beta; minus strand). Cytogenetic location: 13q14.3.
Variant type: single nucleotide variant.
Coding change: c.1013A>G on transcript NM_000053.4 (MANE Select); coding-DNA position 1013, A replaced by G.
Protein change: p.His338Arg; replaces histidine 338 with arginine.
Molecular consequence: missense variant. On other transcripts: intron variant (1).
Genome position (GRCh38, 1-based): chr13:51,974,207, T>C on the plus strand (A>G on the coding strand, the complement: ATP7B is on the minus strand). VCF-style: chr13-51974207-T-C. GRCh37 (hg19) VCF-style: chr13-52548343-T-C.
Other names: c.917A>G, p.His306Arg (NM_001406543.1, NM_001406544.1, NM_001406517.1 and 3 more transcripts); c.1013A>G, p.His338Arg (NM_001406545.1, NM_001406546.1, NM_001406547.1 and 29 more transcripts); c.803-123A>G (NM_001243182.2); short protein forms H306R, H338R.
Identifiers: ClinVar variation 2148146 (VCV002148146.4), dbSNP rs1388065781, ClinGen allele CA388039564.